The following is an entry in ClinVar:

ClinVar aggregate classification (germline): Uncertain significance (1 of 4 stars; one submission).

Conditions:
Immunodeficiency 39 (IMD39). Identifiers: Orphanet 574918, MedGen C4225358, MONDO:0014597, OMIM 616345.

Submission:

Labcorp Genetics (formerly Invitae), Labcorp
Classification: Uncertain significance for Immunodeficiency 39. Last evaluated: 2025-12-10. Review status: criteria provided, single submitter. Criteria: Invitae Variant Classification Sherloc (09022015). Collection method: clinical testing. Allele origin: germline.
Comment: This sequence change creates a premature translational stop signal (p.Leu302Argfs*4) in the IRF7 gene. It is expected to result in an absent or disrupted protein product. However, the current clinical and genetic evidence is not sufficient to establish whether loss-of-function variants in IRF7 cause disease. This variant is not present in population databases (gnomAD no frequency). This variant has not been reported in the literature in individuals affected with IRF7-related conditions. In summary, the available evidence is currently insufficient to determine the role of this variant in disease. Therefore, it has been classified as a Variant of Uncertain Significance.

NM_001572.5(IRF7):c.864_865dup (p.Leu289fs)

Gene: IRF7 (interferon regulatory factor 7; minus strand). Cytogenetic location: 11p15.5.
Variant type: Microsatellite.
Coding change: c.864_865dup on transcript NM_001572.5 (MANE Select); coding-DNA positions 864 to 865, 2 bases duplicated (GC; older notation c.864_865dupGC).
Protein change: p.Leu289fs; shifts the reading frame from leucine 289.
Molecular consequence: frameshift variant.
Genome position (GRCh38, 1-based): chr11:613,578-613,579, GC duplicated on the plus strand (GC on the coding strand, the reverse complement: IRF7 is on the minus strand); duplicating any 2 consecutive bases within chr11:613,578-613,581 gives the same sequence; the c. name uses the placement nearest the transcript's 3' end. VCF-style (leftmost placement, unchanged base first): chr11-613577-A-AGC. GRCh37 (hg19) VCF-style: chr11-613577-A-AGC.
Other names: c.777_778dup, p.Leu260fs (NM_004029.4); c.903_904dup, p.Leu302fs (NM_004031.4); short protein forms L302fs, L289fs, L260fs.
Identifiers: ClinVar variation 2867825 (VCV002867825.3), dbSNP rs2493903965, ClinGen allele CA2573868060.
Genomic context (GRCh38, chr11:613,577, plus strand): 5'-CTCGGGTGTCCCACCACCTTCTGCAGCACCGTGCGGCCCTTGTACATGATGGTCACGTCC[A>AGC]GCGCCCCTGGGCTGGGCTCTGTGTGGAGACCAAGCTGTGAGTGACGGGGGTGGGCGGGGA-3'